The following is an entry in ClinVar:

NM_017433.5(MYO3A):c.2734A>G (p.Thr912Ala)

Gene: MYO3A (myosin IIIA; plus strand). Cytogenetic location: 10p12.1.
Variant type: single nucleotide variant.
Coding change: c.2734A>G on transcript NM_017433.5 (MANE Select); coding-DNA position 2734, A replaced by G.
Protein change: p.Thr912Ala; replaces threonine 912 with alanine.
Molecular consequence: missense variant.
Genome position (GRCh38, 1-based): chr10:26,154,764, A>G. VCF-style: chr10-26154764-A-G. GRCh37 (hg19) VCF-style: chr10-26443693-A-G.
Other names: short protein forms T912A.
Identifiers: ClinVar variation 3356845 (VCV003356845.1).

ClinVar aggregate classification (germline): Uncertain significance (0 of 4 stars; one submission).

Conditions:
MYO3A-related disorder. Also called: MYO3A-related condition.

gnomAD v4.1: 31 of 1,613,790 alleles (0.0019%); highest among the groups gnomAD compares: Non-Finnish European, 0.0025%; no homozygotes.

Submission:

PreventionGenetics, part of Exact Sciences
Classification: Uncertain significance for MYO3A-related condition. Last evaluated: 2024-08-09. Review status: no assertion criteria provided. Collection method: clinical testing. Allele origin: germline.
Comment: The MYO3A c.2734A>G variant is predicted to result in the amino acid substitution p.Thr912Ala. To our knowledge, this variant has not been reported in the literature. This variant is reported in 0.0079% of alleles in individuals of European (Non-Finnish) descent in gnomAD. At this time, the clinical significance of this variant is uncertain due to the absence of conclusive functional and genetic evidence.